The following is an entry in ClinVar:

ClinVar aggregate classification (germline): Likely benign. Review status: criteria provided, multiple submitters, no conflicts (2 of 4 stars). 2 submissions from 2 submitters: Likely benign (2). Last evaluated 2018-06-14.

Allele frequency attached by ClinVar (database versions not stated): TOPMed 0.00751; gnomAD 0.00813 and 0.00855; 1000 Genomes Project 30x 0.00953; 1000 Genomes Project 0.01058.
gnomAD v4.1: 1,295 of 152,340 alleles (0.85%); highest among the groups gnomAD compares: South Asian, 1.7%; 6 homozygotes.

Submissions (2):

GeneDx
Classification: Likely benign. Last evaluated: 2018-06-14. Review status: criteria provided, single submitter. Criteria: GeneDx Variant Classification (06012015). Collection method: clinical testing. Allele origin: germline. Affected: yes.
Comment: This variant is considered likely benign or benign based on one or more of the following criteria: it is a conservative change, it occurs at a poorly conserved position in the protein, it is predicted to be benign by multiple in silico algorithms, and/or has population frequency not consistent with disease.

Breakthrough Genomics
Classification: Likely benign. Review status: criteria provided, single submitter. Criteria: ACMG Guidelines, 2015. Collection method: not provided. Allele origin: germline. Inheritance: Autosomal recessive inheritance. Affected: yes.

NM_018238.4(AGK):c.298-194C>T

Gene: AGK (acylglycerol kinase; plus strand). Cytogenetic location: 7q34.
Variant type: single nucleotide variant.
Coding change: c.298-194C>T on transcript NM_018238.4 (MANE Select); 194 bases into the intron before coding-DNA position 298, C replaced by T.
Molecular consequence: intron variant.
Genome position (GRCh38, 1-based): chr7:141,611,001, C>T. VCF-style: chr7-141611001-C-T. GRCh37 (hg19) VCF-style: chr7-141310801-C-T.
Other names: c.298-194C>T (NM_001364948.3).
Identifiers: ClinVar variation 672808 (VCV000672808.2), dbSNP rs117068630, ClinGen allele CA168067620.